The following is an entry in ClinVar:

ClinVar aggregate classification (germline): Likely pathogenic (1 of 4 stars; one submission).

Conditions:
ALG1-congenital disorder of glycosylation. Also called: CONGENITAL DISORDER OF GLYCOSYLATION, TYPE Ik; CDG Ik; ALG1-CDG. Identifiers: Orphanet 79327, MedGen C2931005, MONDO:0012052, OMIM 608540.

Submission:

Labcorp Genetics (formerly Invitae), Labcorp
Classification: Likely pathogenic for ALG1-congenital disorder of glycosylation. Last evaluated: 2025-04-08. Review status: criteria provided, single submitter. Criteria: Invitae Variant Classification Sherloc (09022015). Collection method: clinical testing. Allele origin: germline.
Comment: This sequence change affects an acceptor splice site in intron 6 of the ALG1 gene. It is expected to disrupt RNA splicing. Variants that disrupt the donor or acceptor splice site typically lead to a loss of protein function (PMID: 16199547), and loss-of-function variants in ALG1 are known to be pathogenic (PMID: 20679665, 23806237). This variant is not present in population databases (gnomAD no frequency). This variant has not been reported in the literature in individuals affected with ALG1-related conditions. Algorithms developed to predict the effect of sequence changes on RNA splicing suggest that this variant may disrupt the consensus splice site. In summary, the currently available evidence indicates that the variant is pathogenic, but additional data are needed to prove that conclusively. Therefore, this variant has been classified as Likely Pathogenic.

Literature cited by the submitters: PubMed 16199547; PubMed 20679665; PubMed 23806237.

NM_019109.5(ALG1):c.741-2A>G

Gene: ALG1 (ALG1 chitobiosyldiphosphodolichol beta-mannosyltransferase; plus strand). Cytogenetic location: 16p13.3.
Variant type: single nucleotide variant.
Coding change: c.741-2A>G on transcript NM_019109.5 (MANE Select); the canonical splice acceptor site of the intron before coding-DNA position 741, A replaced by G.
Molecular consequence: splice acceptor variant.
Genome position (GRCh38, 1-based): chr16:5,078,755, A>G. VCF-style: chr16-5078755-A-G. GRCh37 (hg19) VCF-style: chr16-5128756-A-G.
Other names: c.741-2A>G (NM_001438123.1); c.408-2A>G (NM_001330504.2).
Identifiers: ClinVar variation 4716830 (VCV004716830.1).